The following is an entry in ClinVar:

NM_002291.3(LAMB1):c.5224+2T>C

Gene: LAMB1 (laminin subunit beta 1; minus strand). Cytogenetic location: 7q31.1.
Variant type: single nucleotide variant.
Coding change: c.5224+2T>C on transcript NM_002291.3 (MANE Select); the canonical splice donor site of the intron after coding-DNA position 5224, T replaced by C.
Molecular consequence: splice donor variant.
Genome position (GRCh38, 1-based): chr7:107,924,228, A>G on the plus strand (T>C on the coding strand, the complement: LAMB1 is on the minus strand). VCF-style: chr7-107924228-A-G. GRCh37 (hg19) VCF-style: chr7-107564673-A-G.
Identifiers: ClinVar variation 2080529 (VCV002080529.4), dbSNP rs2535616376, ClinGen allele CA368860373.
Genomic context (GRCh38, chr7:107,924,228, plus strand): 5'-TTTAAATAAACTATGGATGCCTTAAAGTAATTTAAAAAATAAGCCTGTGTGAAAAGACCC[A>G]CCTTTGAGCAGTTGCAGCTTGCTATTTGCTTGAGCTAAAAGAGTTTTTGCTTCATTTTGT-3'

ClinVar aggregate classification (germline): Uncertain significance (1 of 4 stars; one submission).

Submission:

Labcorp Genetics (formerly Invitae), Labcorp
Classification: Uncertain significance. Last evaluated: 2022-01-11. Review status: criteria provided, single submitter. Criteria: Invitae Variant Classification Sherloc (09022015). Collection method: clinical testing. Allele origin: germline.
Comment: Disruption of this splice site has been observed in individual(s) with neurodevelopmental disorder (PMID: 31785789). Variants that disrupt the consensus splice site are a relatively common cause of aberrant splicing (PMID: 17576681, 9536098). Algorithms developed to predict the effect of sequence changes on RNA splicing suggest that this variant may disrupt the consensus splice site. In summary, the available evidence is currently insufficient to determine the role of this variant in disease. Therefore, it has been classified as a Variant of Uncertain Significance. This variant is not present in population databases (gnomAD no frequency). This sequence change affects a donor splice site in intron 33 of the LAMB1 gene. While this variant is not anticipated to result in nonsense mediated decay, it likely alters RNA splicing and results in a disrupted protein product.

Literature cited by the submitters: PubMed 31785789; PubMed 17576681; PubMed 9536098.